The following is an entry in ClinVar:

ClinVar aggregate classification (germline): Uncertain significance (1 of 4 stars; one submission).

Submission:

Labcorp Genetics (formerly Invitae), Labcorp
Classification: Uncertain significance. Last evaluated: 2025-06-15. Review status: criteria provided, single submitter. Criteria: Invitae Variant Classification Sherloc (09022015). Collection method: clinical testing. Allele origin: germline.
Comment: This sequence change replaces valine, which is neutral and non-polar, with isoleucine, which is neutral and non-polar, at codon 490 of the TMPRSS6 protein (p.Val490Ile). This variant also falls at the last nucleotide of exon 12, which is part of the consensus splice site for this exon. This variant is present in population databases (rs755949077, gnomAD 0.006%). This variant has not been reported in the literature in individuals affected with TMPRSS6-related conditions. An algorithm developed to predict the effect of missense changes on protein structure and function (PolyPhen-2) suggests that this variant is likely to be disruptive. Variants that disrupt the consensus splice site are a relatively common cause of aberrant splicing (PMID: 17576681, 9536098). In summary, the available evidence is currently insufficient to determine the role of this variant in disease. Therefore, it has been classified as a Variant of Uncertain Significance.

Literature cited by the submitters: PubMed 17576681; PubMed 9536098.

NM_001374504.1(TMPRSS6):c.1441G>A (p.Val481Ile)

Gene: TMPRSS6 (transmembrane serine protease 6; minus strand). Cytogenetic location: 22q12.3.
Variant type: single nucleotide variant.
Coding change: c.1441G>A on transcript NM_001374504.1 (MANE Select); coding-DNA position 1441, G replaced by A.
Protein change: p.Val481Ile; replaces valine 481 with isoleucine.
Molecular consequence: missense variant.
Genome position (GRCh38, 1-based): chr22:37,074,610, C>T on the plus strand (G>A on the coding strand, the complement: TMPRSS6 is on the minus strand). VCF-style: chr22-37074610-C-T. GRCh37 (hg19) VCF-style: chr22-37470650-C-T.
Other names: c.1441G>A, p.Val481Ile (NM_001289000.2, NM_001289001.2, NM_153609.4); short protein forms V481I.
Identifiers: ClinVar variation 4753866 (VCV004753866.1).